The following is an entry in ClinVar:

NM_005219.5(DIAPH1):c.1439A>C (p.Lys480Thr)

Gene: DIAPH1 (diaphanous related formin 1; minus strand). Cytogenetic location: 5q31.3.
Variant type: single nucleotide variant.
Coding change: c.1439A>C on transcript NM_005219.5 (MANE Select); coding-DNA position 1439, A replaced by C.
Protein change: p.Lys480Thr; replaces lysine 480 with threonine.
Molecular consequence: missense variant.
Genome position (GRCh38, 1-based): chr5:141,576,252, T>G on the plus strand (A>C on the coding strand, the complement: DIAPH1 is on the minus strand). VCF-style: chr5-141576252-T-G. GRCh37 (hg19) VCF-style: chr5-140955819-T-G.
Other names: c.1412A>C, p.Lys471Thr (NM_001079812.3); c.1439A>C, p.Lys480Thr (NM_001314007.2); short protein forms K480T, K471T.
Identifiers: ClinVar variation 2181912 (VCV002181912.5), dbSNP rs547070097, ClinGen allele CA3479299.

ClinVar aggregate classification (germline): Uncertain significance. Review status: criteria provided, multiple submitters, no conflicts (2 of 4 stars). 2 submissions from 2 submitters: Uncertain significance (2). Last evaluated 2025-10-07.

Conditions:
Progressive microcephaly-seizures-cortical blindness-developmental delay syndrome. Also called: Seizures, cortical blindness, and microcephaly syndrome. Identifiers: Orphanet 477814, MedGen C5567650, MONDO:0014714, OMIM 616632.
Autosomal dominant nonsyndromic hearing loss 1. Also called: KONIGSMARK SYNDROME; DEAFNESS, AUTOSOMAL DOMINANT 1, WITH OR WITHOUT THROMBOCYTOPENIA. Identifiers: Orphanet 90635, MedGen C1852282, MONDO:0007424, OMIM 124900.

Allele frequency attached by ClinVar (database versions not stated): gnomAD 0.00001; 1000 Genomes Project 0.00020; 1000 Genomes Project 30x 0.00031.
gnomAD v4.1: 17 of 1,614,014 alleles (0.0011%); highest among the groups gnomAD compares: Admixed American, 0.005%; no homozygotes.

Submissions (2):

Labcorp Genetics (formerly Invitae), Labcorp
Classification: Uncertain significance for Progressive microcephaly-seizures-cortical blindness-developmental delay syndrome; Autosomal dominant nonsyndromic hearing loss 1. Last evaluated: 2025-10-07. Review status: criteria provided, single submitter. Criteria: Invitae Variant Classification Sherloc (09022015). Collection method: clinical testing. Allele origin: germline.
Comment: This sequence change replaces lysine, which is basic and polar, with threonine, which is neutral and polar, at codon 480 of the DIAPH1 protein (p.Lys480Thr). This variant is present in population databases (rs547070097, gnomAD 0.01%). This missense change has been observed in individual(s) with deafness (PMID: 40651568). ClinVar contains an entry for this variant (Variation ID: 2181912). Experimental studies and prediction algorithms are not available or were not evaluated, and the functional significance of this variant is currently unknown. In summary, the available evidence is currently insufficient to determine the role of this variant in disease. Therefore, it has been classified as a Variant of Uncertain Significance.

Blueprint Genetics
Classification: Uncertain significance. Last evaluated: 2022-01-12. Review status: criteria provided, single submitter. Criteria: ACMG Guidelines, 2015. Collection method: clinical testing. Allele origin: germline.

Literature cited by the submitters: PubMed 40651568 (cited by Labcorp Genetics (formerly Invitae), Labcorp).